The following is an entry in ClinVar:

NM_001844.5(COL2A1):c.817-6T>G

Gene: COL2A1 (collagen type II alpha 1 chain; minus strand). Cytogenetic location: 12q13.11.
Variant type: single nucleotide variant.
Coding change: c.817-6T>G on transcript NM_001844.5 (MANE Select); 6 bases into the intron before coding-DNA position 817, T replaced by G.
Molecular consequence: intron variant.
Genome position (GRCh38, 1-based): chr12:47,994,053, A>C on the plus strand (T>G on the coding strand, the complement: COL2A1 is on the minus strand). VCF-style: chr12-47994053-A-C. GRCh37 (hg19) VCF-style: chr12-48387836-A-C.
Other names: c.610-6T>G (NM_033150.3).
Identifiers: ClinVar variation 432676 (VCV000432676.2), dbSNP rs1555168542, ClinGen allele CA645372528.

ClinVar aggregate classification (germline): Likely pathogenic (1 of 4 stars; one submission).

Submission:

GeneDx
Classification: Likely pathogenic. Last evaluated: 2018-03-07. Review status: criteria provided, single submitter. Criteria: GeneDx Variant Classification (06012015). Collection method: clinical testing. Allele origin: germline. Affected: yes.
Comment: The c.817-6T>G variant in the COL2A1 gene has not been reported previously as a pathogenic variant nor as a benign variant, to our knowledge. This variant reduces the quality of the canonical splice acceptor site in intron 12, and may cause abnormal gene splicing. However, in the absence of RNA/functional studies, the actual effect of c.817-6T>G in this individual is unknown. The c.817-6T>G variant is not observed in large population cohorts (Lek et al., 2016; 1000 Genomes Consortium et al., 2015; Exome Variant Server). We interpret c.817-6T>G as a likely pathogenic variant.